The following is an entry in ClinVar:

NM_182641.4(BPTF):c.8035GCCCCTCCA[5] (p.2676APP[6])

Gene: BPTF (bromodomain PHD finger transcription factor; plus strand). Cytogenetic location: 17q24.2.
Variant type: Microsatellite.
Coding change: c.8035GCCCCTCCA[5] on transcript NM_182641.4 (MANE Select); five copies in a row of the 9-base unit GCCCCTCCA starting at c.8035.
Protein change: p.2676APP[6].
Molecular consequence: inframe insertion.
Genome position: GRCh38 VCF-style: chr17-67959642-T-TCCTCCAGCCCCTCCAGCCCCTCCAGCC. GRCh37 (hg19) VCF-style: chr17-65955758-T-TCCTCCAGCCCCTCCAGCCCCTCCAGCC.
Other names: c.7984GCCCCTCCA[5], p.2659APP[6] (NM_004459.7); c.8052_8053insGCCCCTCCAGCCCCTCCAGCCCCTCCA (NM_182641.3).
Identifiers: ClinVar variation 1275134 (VCV001275134.15), dbSNP rs60308484, ClinGen allele CA8726490.
Genomic context (GRCh38, chr17:67,959,642, plus strand): 5'-CCTGATGCAGTTGGCTCAGGCCACAGCAGTAGCTGCACCCTGCCCCCCAGTGACACCAGC[T>TCCTCCAGCCCCTCCAGCCCCTCCAGCC]CCTCCAGCCCCTCCAGCCCCTCCACCTTCACCTCCCCCTCCACCTGCTGTGCAACACACA-3'

ClinVar aggregate classification (germline): Benign/Likely benign. Review status: criteria provided, multiple submitters, no conflicts (2 of 4 stars). 4 submissions from 4 submitters: Benign (1); Likely benign (3). Last evaluated 2026-02-01.

Conditions:
Inborn genetic diseases. Identifiers: MedGen C0950123, MeSH D030342.

Submissions (4):

CeGaT Center for Human Genetics Tuebingen
Classification: Likely benign. Last evaluated: 2026-02-01. Review status: criteria provided, single submitter. Criteria: CeGaT Center For Human Genetics Tuebingen Variant Classification Criteria Version 2. Collection method: clinical testing. Allele origin: germline. Affected: yes. Observed: 3 variant alleles.
Comment: BPTF: PM4, BS1

Labcorp Genetics (formerly Invitae), Labcorp
Classification: Likely benign. Last evaluated: 2026-01-19. Review status: criteria provided, single submitter. Criteria: Invitae Variant Classification Sherloc (09022015). Collection method: clinical testing. Allele origin: germline.

Ambry Genetics
Classification: Likely benign for Inborn genetic diseases. Last evaluated: 2021-09-22. Review status: criteria provided, single submitter. Criteria: Ambry Variant Classification Scheme 2023. Collection method: clinical testing. Allele origin: germline.

GeneDx
Classification: Benign. Last evaluated: 2021-04-05. Review status: criteria provided, single submitter. Criteria: GeneDx Variant Classification Process June 2021. Collection method: clinical testing. Allele origin: germline. Affected: yes.